The following is an entry in ClinVar:

ClinVar aggregate classification (germline): Uncertain significance (1 of 4 stars; one submission).

Conditions:
Early-infantile DEE. Also called: Early infantile epileptic encephalopathy with suppression bursts; Early infantile epileptic encephalopathy; Ohtahara syndrome. Identifiers: Orphanet 1934, MedGen C0393706, MONDO:0800491.

Submission:

Labcorp Genetics (formerly Invitae), Labcorp
Classification: Uncertain significance for Early-infantile DEE. Last evaluated: 2025-12-01. Review status: criteria provided, single submitter. Criteria: Invitae Variant Classification Sherloc (09022015). Collection method: clinical testing. Allele origin: germline.
Comment: This sequence change replaces glycine, which is neutral and non-polar, with alanine, which is neutral and non-polar, at codon 10 of the SCN1A protein (p.Gly10Ala). This variant is not present in population databases (gnomAD no frequency). This variant has not been reported in the literature in individuals affected with SCN1A-related conditions. ClinVar contains an entry for this variant (Variation ID: 1716671). Invitae Evidence Modeling of protein sequence and biophysical properties (such as structural, functional, and spatial information, amino acid conservation, physicochemical variation, residue mobility, and thermodynamic stability) indicates that this missense variant is expected to disrupt SCN1A protein function with a positive predictive value of 95%. In summary, the available evidence is currently insufficient to determine the role of this variant in disease. Therefore, it has been classified as a Variant of Uncertain Significance.

NM_001165963.4(SCN1A):c.29G>C (p.Gly10Ala)

Gene: SCN1A (sodium voltage-gated channel alpha subunit 1; minus strand). Cytogenetic location: 2q24.3.
Variant type: single nucleotide variant.
Coding change: c.29G>C on transcript NM_001165963.4 (MANE Select); coding-DNA position 29, G replaced by C.
Protein change: p.Gly10Ala; replaces glycine 10 with alanine.
Molecular consequence: missense variant. On other transcripts: 5 prime UTR variant (1), non-coding transcript variant (1).
Genome position (GRCh38, 1-based): chr2:166,073,593, C>G on the plus strand (G>C on the coding strand, the complement: SCN1A is on the minus strand). VCF-style: chr2-166073593-C-G. GRCh37 (hg19) VCF-style: chr2-166930103-C-G.
Other names: c.29G>C, p.Gly10Ala (NM_001165964.3, NM_001202435.3, NM_001353948.2 and 10 more transcripts); c.-2397G>C (NM_001353961.2); short protein forms G10A.
Identifiers: ClinVar variation 1716671 (VCV001716671.5), dbSNP rs2468367995, ClinGen allele CA349243462.